The following is an entry in ClinVar:

NM_032119.4(ADGRV1):c.14854dup (p.His4952fs)

Gene: ADGRV1 (adhesion G protein-coupled receptor V1; plus strand). Cytogenetic location: 5q14.3.
Variant type: Duplication.
Coding change: c.14854dup on transcript NM_032119.4 (MANE Select); coding-DNA position 14854, one base duplicated (C; older notation c.14854dupC).
Protein change: p.His4952fs; shifts the reading frame from histidine 4952.
Molecular consequence: frameshift variant. On other transcripts: non-coding transcript variant (1).
Genome position (GRCh38, 1-based): chr5:90,807,619, C duplicated; the last of 3 consecutive C bases (chr5:90,807,617-90,807,619); duplicating any one gives the same sequence. VCF-style (leftmost placement, unchanged base first): chr5-90807616-T-TC. GRCh37 (hg19) VCF-style: chr5-90103433-T-TC.
Other names: c.14854dupC (NM_032119.3); short protein forms H4952fs.
Identifiers: ClinVar variation 1385369 (VCV001385369.9), dbSNP rs1762027044, ClinGen allele CA1562910040.
Genomic context (GRCh38, chr5:90,807,616, plus strand): 5'-AGAAAAGAAATAATACCCTACTTTGCTTTTTCATGTTTTCTTTCAGGGAGCCTTTCATTT[T>TC]CCCACGGTGAACAAAGGAAAGGAGTTTTCCTGTGGACGTTTCCTAGCCCTGGTTGGCCAG-3'

ClinVar aggregate classification (germline): Pathogenic/Likely pathogenic. Review status: criteria provided, multiple submitters, no conflicts (2 of 4 stars). 4 submissions from 4 submitters: Pathogenic (2); Likely pathogenic (2). Last evaluated 2026-03-23.

Conditions:
Usher syndrome type 2C. Also called: USHER SYNDROME, TYPE IIC; Usher syndrome, type 2B. Identifiers: Orphanet 231178, Orphanet 886, MedGen C2931213, MONDO:0011558, OMIM 605472.
Febrile seizures, familial, 4 (FEB4). Also called: CONVULSIONS, FAMILIAL FEBRILE, 4. Identifiers: MedGen C1858493, MONDO:0011443, OMIM 604352.
ADGRV1-related disorder. Also called: ADGRV1-related disorders; ADGRV1-related condition.

Submissions (4):

PreventionGenetics, part of Exact Sciences
Classification: Pathogenic for ADGRV1-related condition. Last evaluated: 2026-03-23. Review status: criteria provided, single submitter. Criteria: ACMG Guidelines, 2015. Collection method: clinical testing. Allele origin: germline.
Comment: The ADGRV1 c.14854dupC variant is predicted to result in a frameshift and premature protein termination (p.His4952Profs*3). To our knowledge, this variant has not been reported in the literature or in a large population database (gnomAD), indicating this variant is rare. Frameshift variants in ADGRV1 are expected to be pathogenic. This variant is interpreted as pathogenic.

Labcorp Genetics (formerly Invitae), Labcorp
Classification: Pathogenic. Last evaluated: 2025-04-16. Review status: criteria provided, single submitter. Criteria: Invitae Variant Classification Sherloc (09022015). Collection method: clinical testing. Allele origin: germline.
Comment: This sequence change creates a premature translational stop signal (p.His4952Profs*3) in the ADGRV1 gene. It is expected to result in an absent or disrupted protein product. Loss-of-function variants in ADGRV1 are known to be pathogenic (PMID: 19357117, 22135276, 22147658, 26226137, 30718709, 31047384, 32467589). This variant is not present in population databases (gnomAD no frequency). This variant has not been reported in the literature in individuals affected with ADGRV1-related conditions. ClinVar contains an entry for this variant (Variation ID: 1385369). For these reasons, this variant has been classified as Pathogenic.

Fulgent Genetics
Classification: Likely pathogenic for Febrile seizures, familial, 4; Usher syndrome type 2C. Last evaluated: 2024-03-19. Review status: criteria provided, single submitter. Criteria: ACMG Guidelines, 2015. Collection method: clinical testing. Allele origin: germline.

Blueprint Genetics
Classification: Likely pathogenic for ADGRV1-related disorders. Last evaluated: 2018-10-11. Review status: criteria provided, single submitter. Criteria: ACMG Guidelines, 2015. Collection method: clinical testing. Allele origin: germline. Affected: yes. Observed: 1 variant allele.

Literature cited by the submitters: PubMed 19357117 (cited by Labcorp Genetics (formerly Invitae), Labcorp); PubMed 22135276 (cited by Labcorp Genetics (formerly Invitae), Labcorp); PubMed 22147658 (cited by Labcorp Genetics (formerly Invitae), Labcorp); PubMed 26226137 (cited by Labcorp Genetics (formerly Invitae), Labcorp); PubMed 30718709 (cited by Labcorp Genetics (formerly Invitae), Labcorp); PubMed 31047384 (cited by Labcorp Genetics (formerly Invitae), Labcorp); PubMed 32467589 (cited by Labcorp Genetics (formerly Invitae), Labcorp).